The following is an entry in ClinVar:

ClinVar aggregate classification (germline): Uncertain significance. Review status: criteria provided, single submitter (1 of 4 stars). 2 submissions from 2 submitters: Uncertain significance (1). 1 of the submissions does not count toward it. Last evaluated 2020-05-04.

Conditions:
Breast-ovarian cancer, familial, susceptibility to, 2 (BROVCA2). Also called: BRCA2 Hereditary Breast and Ovarian Cancer. Identifiers: Orphanet 145, MedGen C2675520, MONDO:0012933, OMIM 612555. Disease mechanism: loss of function.
Hereditary breast ovarian cancer syndrome. Also called: Hereditary breast and ovarian cancer; Breast and ovarian cancer; BRCA1- and BRCA2-Associated Hereditary Breast and Ovarian Cancer; Hereditary breast and ovarian cancer syndrome; Hereditary breast and ovarian cancer syndrome (HBOC); Hereditary breast and/or ovarian cancer syndrome. Identifiers: Orphanet 145, MedGen C0677776, MeSH D061325, MONDO:0003582. Disease mechanism: loss of function.

Submissions (2):

Labcorp Genetics (formerly Invitae), Labcorp
Classification: Uncertain significance for Hereditary breast ovarian cancer syndrome. Last evaluated: 2020-05-04. Review status: criteria provided, single submitter. Criteria: Invitae Variant Classification Sherloc (09022015). Collection method: clinical testing. Allele origin: germline.
Comment: In summary, the available evidence is currently insufficient to determine the role of this variant in disease. Therefore, it has been classified as a Variant of Uncertain Significance. Algorithms developed to predict the effect of missense changes on protein structure and function (SIFT, PolyPhen-2, Align-GVGD) all suggest that this variant is likely to be disruptive, but these predictions have not been confirmed by published functional studies and their clinical significance is uncertain. This variant has been observed in individual(s) with a personal or family history of breast and/or ovarian cancer (PMID: 30254663). This variant is not present in population databases (ExAC no frequency). This sequence change replaces aspartic acid with alanine at codon 3073 of the BRCA2 protein (p.Asp3073Ala). The aspartic acid residue is highly conserved and there is a moderate physicochemical difference between aspartic acid and alanine.

Department of Medical and Surgical Sciences, University of Bologna
Classification: Uncertain significance for Breast-ovarian cancer, familial, susceptibility to, 2. Last evaluated: 2023-09-01. Review status: no assertion criteria provided. Collection method: clinical testing. Allele origin: germline. Affected: yes. Not counted in ClinVar's aggregate classification.
Comment: PM2(Supporting)+PP3(Supporting) according to ACMG/AMP classification guidelines specified for BRCA1 & BRCA2 (Classification Criteria V1.0.0 2023-09-08) (PMID: 38160042)

Literature cited by the submitters: PubMed 30254663 (cited by Labcorp Genetics (formerly Invitae), Labcorp).

NM_000059.4(BRCA2):c.9218A>C (p.Asp3073Ala)

Gene: BRCA2 (BRCA2 DNA repair associated; plus strand). Cytogenetic location: 13q13.1.
Variant type: single nucleotide variant.
Coding change: c.9218A>C on transcript NM_000059.4 (MANE Select); coding-DNA position 9218, A replaced by C.
Protein change: p.Asp3073Ala; replaces aspartic acid 3073 with alanine.
Molecular consequence: missense variant.
Genome position (GRCh38, 1-based): chr13:32,380,107, A>C. VCF-style: chr13-32380107-A-C. GRCh37 (hg19) VCF-style: chr13-32954244-A-C.
Other names: short protein forms D3073A.
Identifiers: ClinVar variation 1062244 (VCV001062244.10), dbSNP rs80359186, ClinGen allele CA387758417.